The following is an entry in ClinVar:

ClinVar aggregate classification (germline): Likely benign (1 of 4 stars; one submission).

Conditions:
Leigh syndrome (NULS). Also called: Leigh's necrotizing encephalopathy; Leigh's disease; Leigh Syndrome (mtDNA deletion); Leigh Disease; Subacute necrotizing encephalopathy; Necrotizing encephalopathy infantile subacute of Leigh. Identifiers: Orphanet 506, MedGen C2931891, MONDO:0009723, OMIM 256000.

Submission:

Wong Mito Lab, Molecular and Human Genetics, Baylor College of Medicine
Classification: Likely benign for Leigh syndrome. Last evaluated: 2019-10-17. Review status: criteria provided, single submitter. Criteria: Modified ACMG Guidelines (Unpublished). Collection method: clinical testing. Allele origin: germline.
Comment: The NC_012920.1:m.5295C>T (YP_003024027.1:p.Leu276Phe) variant in MTND2 gene is interpretated to be a Likely Benign variant based on the modified ACMG guidelines (unpublished). This variant meets the following evidence codes: BS1, BP4

NC_012920.1(MT-ND2):m.5295C>T

Gene: MT-ND2 (mitochondrially encoded NADH dehydrogenase 2; plus strand).
Variant type: single nucleotide variant.
Genome position: chrM-5295-C-T.
Identifiers: ClinVar variation 692568 (VCV000692568.1), dbSNP rs1556422970, ClinGen allele CA414779716.